The following is an entry in ClinVar:

NM_002658.6(PLAU):c.423G>A (p.Leu141=)

Genes: C10orf55 (chromosome 10 putative open reading frame 55; minus strand), PLAU (plasminogen activator, urokinase; plus strand), LOC126860960 (BRD4-independent group 4 enhancer GRCh37_chr10:75672789-75673988; plus strand). Cytogenetic location: 10q22.2.
Variant type: single nucleotide variant.
Coding change: c.423G>A on transcript NM_002658.6 (MANE Select); coding-DNA position 423, G replaced by A.
Protein change: p.Leu141=; no amino-acid change (leucine 141 retained).
Molecular consequence: synonymous variant.
Genome position (GRCh38, 1-based): chr10:73,913,344, G>A. VCF-style: chr10-73913344-G-A. GRCh37 (hg19) VCF-style: chr10-75673102-G-A.
Other names: c.372G>A, p.Leu124= (NM_001145031.3); c.165G>A, p.Leu55= (NM_001319191.2).
Identifiers: ClinVar variation 3057907 (VCV003057907.2), dbSNP rs770199271, ClinGen allele CA5562419.

ClinVar aggregate classification (germline): Likely benign (0 of 4 stars; one submission).

Conditions:
PLAU-related disorder. Also called: PLAU-related condition.

Allele frequency attached by ClinVar (database versions not stated): gnomAD 0.00001.
gnomAD v4.1: 9 of 1,614,006 alleles (0.00056%); highest among the groups gnomAD compares: East Asian, 0.0022%; no homozygotes.

Submission:

PreventionGenetics, part of Exact Sciences
Classification: Likely benign for PLAU-related condition. Last evaluated: 2019-03-13. Review status: no assertion criteria provided. Collection method: clinical testing. Allele origin: germline.
Comment: This variant is classified as likely benign based on ACMG/AMP sequence variant interpretation guidelines (Richards et al. 2015 PMID: 25741868, with internal and published modifications).